The following is an entry in ClinVar:

ClinVar aggregate classification (germline): Pathogenic (1 of 4 stars; one submission).

Conditions:
Wiedemann-Steiner syndrome (WDSTS). Also called: Growth deficiency and mental retardation with facial dysmorphism. Identifiers: Orphanet 319182, MedGen C1854630, MONDO:0011518, OMIM 605130.

Submission:

Molecular Genetics Laboratory, Motol Hospital
Classification: Pathogenic for Wiedemann-Steiner syndrome. Last evaluated: 2026-09-25. Review status: criteria provided, single submitter. Criteria: ACMG Guidelines, 2015. Collection method: clinical testing. Allele origin: de novo. Inheritance: Sporadic. Affected: yes. Observed: 1 variant allele, 1 heterozygote.
Comment: A rare variant not present in non-Finnish European population (PM2). Haploinsuffiency of the KMT2A is a molecular mechanism leading to Wiedemann-Steiner syndrome (PVS1). The variant is classified as pathogenic.

Literature cited by the submitters: PubMed 22795537; PubMed 25810209; PubMed 20803650.

NM_001197104.2(KMT2A):c.9757del (p.Ser3253fs)

Gene: KMT2A (lysine methyltransferase 2A; plus strand). Cytogenetic location: 11q23.3.
Variant type: Deletion.
Coding change: c.9757del on transcript NM_001197104.2 (MANE Select); coding-DNA position 9757, one base deleted (T; older notation c.9757delT).
Protein change: p.Ser3253fs; shifts the reading frame from serine 3253.
Molecular consequence: frameshift variant.
Genome position (GRCh38, 1-based): chr11:118,505,649, T deleted; the last of 3 consecutive T bases (chr11:118,505,647-118,505,649); deleting any one gives the same sequence. VCF-style (leftmost placement, unchanged base first): chr11-118505646-GT-G. GRCh37 (hg19) VCF-style: chr11-118376361-GT-G.
Other names: c.9757delT, p.Ser3253Leufs (NM_001197104.1); c.9847del, p.Ser3283fs (NM_001412597.1); c.9748del, p.Ser3250fs (NM_005933.4); short protein forms S3250fs, S3253fs, S3283fs.
Identifiers: ClinVar variation 5021458 (VCV005021458.1).